The following is an entry in ClinVar:

ClinVar aggregate classification (germline): Uncertain significance (1 of 4 stars; one submission).

Conditions:
Developmental and epileptic encephalopathy, 37 (DEE37). Also called: Epileptic encephalopathy, early infantile, 37. Identifiers: MedGen C4310770, MONDO:0014859, OMIM 616981.

Allele frequency attached by ClinVar (database versions not stated): ExAC 0.00002.
gnomAD v4.1: 5 of 1,581,000 alleles (0.00032%); highest among the groups gnomAD compares: Admixed American, 0.0018%; no homozygotes.

Submission:

Labcorp Genetics (formerly Invitae), Labcorp
Classification: Uncertain significance for Developmental and epileptic encephalopathy, 37. Last evaluated: 2022-05-28. Review status: criteria provided, single submitter. Criteria: Invitae Variant Classification Sherloc (09022015). Collection method: clinical testing. Allele origin: germline.
Comment: In summary, the available evidence is currently insufficient to determine the role of this variant in disease. Therefore, it has been classified as a Variant of Uncertain Significance. Algorithms developed to predict the effect of missense changes on protein structure and function (SIFT, PolyPhen-2, Align-GVGD) all suggest that this variant is likely to be disruptive. This variant has not been reported in the literature in individuals affected with FRRS1L-related conditions. The frequency data for this variant in the population databases is considered unreliable, as metrics indicate poor data quality at this position in the gnomAD database. This sequence change replaces arginine, which is basic and polar, with leucine, which is neutral and non-polar, at codon 292 of the FRRS1L protein (p.Arg292Leu).

NM_014334.4(FRRS1L):c.722G>T (p.Arg241Leu)

Gene: FRRS1L (ferric chelate reductase 1 like; minus strand). Cytogenetic location: 9q31.3.
Variant type: single nucleotide variant.
Coding change: c.722G>T on transcript NM_014334.4 (MANE Select); coding-DNA position 722, G replaced by T.
Protein change: p.Arg241Leu; replaces arginine 241 with leucine.
Molecular consequence: missense variant.
Genome position (GRCh38, 1-based): chr9:109,137,615, C>A on the plus strand (G>T on the coding strand, the complement: FRRS1L is on the minus strand). VCF-style: chr9-109137615-C-A. GRCh37 (hg19) VCF-style: chr9-111899895-C-A.
Other names: short protein forms R241L.
Identifiers: ClinVar variation 2179692 (VCV002179692.4), dbSNP rs773672601, ClinGen allele CA5177329.